The following is an entry in ClinVar:

NM_001199107.2(TBC1D24):c.456C>A (p.Phe152Leu)

Gene: TBC1D24 (TBC1 domain family member 24; plus strand). Cytogenetic location: 16p13.3.
Variant type: single nucleotide variant.
Coding change: c.456C>A on transcript NM_001199107.2 (MANE Select); coding-DNA position 456, C replaced by A.
Protein change: p.Phe152Leu; replaces phenylalanine 152 with leucine.
Molecular consequence: missense variant.
Genome position (GRCh38, 1-based): chr16:2,496,604, C>A. VCF-style: chr16-2496604-C-A. GRCh37 (hg19) VCF-style: chr16-2546605-C-A.
Other names: c.456C>A, p.Phe152Leu (NM_020705.3); short protein forms F152L.
Identifiers: ClinVar variation 4292127 (VCV004292127.2).

ClinVar aggregate classification (germline): Uncertain significance (1 of 4 stars; one submission).

Conditions:
DOORS syndrome (DOORS). Also called: DEAFNESS, ONYCHODYSTROPHY, OSTEODYSTROPHY, IMPAIRED INTELLECTUAL DEVELOPMENT, AND SEIZURES SYNDROME; DRC SYNDROME; BRACHYDACTYLY DUE TO ABSENCE OF DISTAL PHALANGES; ERONEN SYNDROME; DOOR SYNDROME; DOORS Syndrome (Deafness, Onychodystrophy, Osteodystrophy, Mental Retardation, and Seizures). Identifiers: Orphanet 3231, Orphanet 79500, MedGen C0795934, MONDO:0009079, OMIM 220500. Disease mechanism: loss of function.

Submission:

3billion
Classification: Uncertain significance for DOORS syndrome. Last evaluated: 2025-09-18. Review status: criteria provided, single submitter. Criteria: ACMG Guidelines, 2015. Collection method: clinical testing. Allele origin: germline. Affected: yes.
Comment: The variant is not observed in the gnomAD v4.1.0 dataset. Predicted Consequence/Location: Missense variant In silico tool predictions suggest damaging effect of the variant on gene or gene product [3Cnet: 0.79 (> 0.75, sensitivity 0.96 and precision 0.92)]. Different missense changes at the same codon have been reported as of uncertain significance (ClinVar ID: VCV001719617; 3billion dataset). Therefore, this variant is classified as VUS according to the recommendation of ACMG/AMP guideline.